The following is an entry in ClinVar:

NM_001367561.1(DOCK7):c.1083del (p.Tyr362fs)

Gene: DOCK7 (dedicator of cytokinesis 7; minus strand). Cytogenetic location: 1p31.3.
Variant type: Deletion.
Coding change: c.1083del on transcript NM_001367561.1 (MANE Select); coding-DNA position 1083, one base deleted (A; older notation c.1083delA).
Protein change: p.Tyr362fs; shifts the reading frame from tyrosine 362.
Molecular consequence: frameshift variant.
Genome position (GRCh38, 1-based): chr1:62,633,531, T deleted on the plus strand (A on the coding strand, the reverse complement: DOCK7 is on the minus strand). VCF-style (leftmost placement, unchanged base first): chr1-62633530-AT-A. GRCh37 (hg19) VCF-style: chr1-63099201-AT-A.
Other names: c.1083del, p.Tyr362fs (NM_001271999.2, NM_001272000.2, NM_001272001.2 and 3 more transcripts); short protein forms Y362fs.
Identifiers: ClinVar variation 2055243 (VCV002055243.4), dbSNP rs2523071377, ClinGen allele CA2580063126.
Genomic context (GRCh38, chr1:62,633,530, plus strand): 5'-GGCGGAAATGAGAAGCATAACATTCTACCTTGGTGGCATCTGCTTCTTTGAAAATCATAT[AT>A]GGTTCTGCACACTCTCCAATGTCTCCTTGCTGTAGGACTTTTTCTAGCTGTCAAAGGCAA-3'

ClinVar aggregate classification (germline): Pathogenic (1 of 4 stars; one submission).

Conditions:
Developmental and epileptic encephalopathy, 23 (DEE23). Also called: Epileptic encephalopathy, early infantile, 23. Identifiers: Orphanet 411986, MedGen C4014492, MONDO:0014371, OMIM 615859.

Submission:

Labcorp Genetics (formerly Invitae), Labcorp
Classification: Pathogenic for Developmental and epileptic encephalopathy, 23. Last evaluated: 2022-09-01. Review status: criteria provided, single submitter. Criteria: Invitae Variant Classification Sherloc (09022015). Collection method: clinical testing. Allele origin: germline.
Comment: For these reasons, this variant has been classified as Pathogenic. This variant has not been reported in the literature in individuals affected with DOCK7-related conditions. This variant is not present in population databases (gnomAD no frequency). This sequence change creates a premature translational stop signal (p.Tyr362Ilefs*2) in the DOCK7 gene. It is expected to result in an absent or disrupted protein product. Loss-of-function variants in DOCK7 are known to be pathogenic (PMID: 24814191).

Literature cited by the submitters: PubMed 24814191.